The following is an entry in ClinVar:

NM_024301.5(FKRP):c.1301A>G (p.Asp434Gly)

Gene: FKRP (fukutin related protein; plus strand). Cytogenetic location: 19q13.32.
Variant type: single nucleotide variant.
Coding change: c.1301A>G on transcript NM_024301.5 (MANE Select); coding-DNA position 1301, A replaced by G.
Protein change: p.Asp434Gly; replaces aspartic acid 434 with glycine.
Molecular consequence: missense variant.
Genome position (GRCh38, 1-based): chr19:46,756,751, A>G. VCF-style: chr19-46756751-A-G. GRCh37 (hg19) VCF-style: chr19-47260008-A-G.
Other names: c.1301A>G, p.Asp434Gly (NM_001039885.3); short protein forms D434G.
Identifiers: ClinVar variation 1973106 (VCV001973106.5), dbSNP rs2513998857, ClinGen allele CA406497083.

ClinVar aggregate classification (germline): Uncertain significance (1 of 4 stars; one submission).

Conditions:
Walker-Warburg congenital muscular dystrophy. Also called: Muscular dystrophy-dystroglycanopathy, type A; Walker-Warburg syndrome. Identifiers: Orphanet 899, MedGen C0265221, MONDO:0000171.

Allele frequency attached by ClinVar (database versions not stated): gnomAD exomes 0.00001.

Submission:

Labcorp Genetics (formerly Invitae), Labcorp
Classification: Uncertain significance for Walker-Warburg congenital muscular dystrophy. Last evaluated: 2022-07-31. Review status: criteria provided, single submitter. Criteria: Invitae Variant Classification Sherloc (09022015). Collection method: clinical testing. Allele origin: germline.
Comment: This sequence change replaces aspartic acid, which is acidic and polar, with glycine, which is neutral and non-polar, at codon 434 of the FKRP protein (p.Asp434Gly). This variant is not present in population databases (gnomAD no frequency). This variant has not been reported in the literature in individuals affected with FKRP-related conditions. Algorithms developed to predict the effect of missense changes on protein structure and function (SIFT, PolyPhen-2, Align-GVGD) all suggest that this variant is likely to be tolerated. In summary, the available evidence is currently insufficient to determine the role of this variant in disease. Therefore, it has been classified as a Variant of Uncertain Significance.